The following is an entry in ClinVar:

ClinVar aggregate classification (germline): Uncertain significance. Review status: criteria provided, multiple submitters, no conflicts (2 of 4 stars). 2 submissions from 2 submitters: Uncertain significance (2). Last evaluated 2025-08-08.

Conditions:
Inborn genetic diseases. Identifiers: MedGen C0950123, MeSH D030342.
Primary immunodeficiency with post-measles-mumps-rubella vaccine viral infection. Also called: Immunodeficiency 44. Identifiers: Orphanet 431166, MedGen C4225260, MONDO:0014715, OMIM 616636.

Submissions (2):

Ambry Genetics
Classification: Uncertain significance for Inborn genetic diseases. Last evaluated: 2025-08-08. Review status: criteria provided, single submitter. Criteria: Ambry Variant Classification Scheme 2023. Collection method: clinical testing. Allele origin: germline.

Labcorp Genetics (formerly Invitae), Labcorp
Classification: Uncertain significance for Primary immunodeficiency with post-measles-mumps-rubella vaccine viral infection. Last evaluated: 2021-09-14. Review status: criteria provided, single submitter. Criteria: Invitae Variant Classification Sherloc (09022015). Collection method: clinical testing. Allele origin: germline.
Comment: This sequence change replaces alanine with threonine at codon 219 of the STAT2 protein (p.Ala219Thr). The alanine residue is moderately conserved and there is a small physicochemical difference between alanine and threonine. This variant is not present in population databases (ExAC no frequency). This variant has not been reported in the literature in individuals affected with STAT2-related conditions. Algorithms developed to predict the effect of missense changes on protein structure and function output the following: SIFT: "Tolerated"; PolyPhen-2: "Benign"; Align-GVGD: "Class C0". The threonine amino acid residue is found in multiple mammalian species, which suggests that this missense change does not adversely affect protein function. In summary, the available evidence is currently insufficient to determine the role of this variant in disease. Therefore, it has been classified as a Variant of Uncertain Significance.

NM_005419.4(STAT2):c.655G>A (p.Ala219Thr)

Gene: STAT2 (signal transducer and activator of transcription 2; minus strand). Cytogenetic location: 12q13.3.
Variant type: single nucleotide variant.
Coding change: c.655G>A on transcript NM_005419.4 (MANE Select); coding-DNA position 655, G replaced by A.
Protein change: p.Ala219Thr; replaces alanine 219 with threonine.
Molecular consequence: missense variant.
Genome position (GRCh38, 1-based): chr12:56,354,593, C>T on the plus strand (G>A on the coding strand, the complement: STAT2 is on the minus strand). VCF-style: chr12-56354593-C-T. GRCh37 (hg19) VCF-style: chr12-56748377-C-T.
Other names: c.643G>A, p.Ala215Thr (NM_001385110.1, NM_001385115.1, NM_198332.2); c.655G>A, p.Ala219Thr (NM_001385111.1, NM_001385113.1, NM_001385114.1); c.655G>A (NM_005419.3); short protein forms A215T, A219T.
Identifiers: ClinVar variation 1368164 (VCV001368164.7), dbSNP rs2136083569, ClinGen allele CA385262789.